The following is an entry in ClinVar:

NM_139057.4(ADAMTS17):c.228C>G (p.Pro76=)

Gene: ADAMTS17 (ADAM metallopeptidase with thrombospondin type 1 motif 17; minus strand). Cytogenetic location: 15q26.3.
Variant type: single nucleotide variant.
Coding change: c.228C>G on transcript NM_139057.4 (MANE Select); coding-DNA position 228, C replaced by G.
Protein change: p.Pro76=; no amino-acid change (proline 76 retained).
Molecular consequence: synonymous variant.
Genome position (GRCh38, 1-based): chr15:100,341,261, G>C on the plus strand (C>G on the coding strand, the complement: ADAMTS17 is on the minus strand). VCF-style: chr15-100341261-G-C. GRCh37 (hg19) VCF-style: chr15-100881466-G-C.
Other names: c.228C>G (NM_139057.3).
Identifiers: ClinVar variation 315321 (VCV000315321.28), dbSNP rs747636994, ClinGen allele CA7758757.

ClinVar aggregate classification (germline): Likely benign. Review status: criteria provided, multiple submitters, no conflicts (2 of 4 stars). 4 submissions from 4 submitters: Likely benign (4). Last evaluated 2026-09-06.

Conditions:
ADAMTS17-related disorder. Also called: ADAMTS17-related condition.

Allele frequency attached by ClinVar (database versions not stated): TOPMed 0.00013; gnomAD exomes 0.00038; ExAC 0.00042; gnomAD 0.00059.
gnomAD v4.1: 247 of 1,294,708 alleles (0.019%); highest among the groups gnomAD compares: Middle Eastern, 0.029%; no homozygotes.

Submissions (4):

PreventionGenetics, part of Exact Sciences
Classification: Likely benign for ADAMTS17-related condition. Last evaluated: 2026-09-06. Review status: criteria provided, single submitter. Criteria: ACMG Guidelines, 2015. Collection method: clinical testing. Allele origin: germline.
Comment: This variant is classified as likely benign based on ACMG/AMP sequence variant interpretation guidelines (Richards et al. 2015 PMID: 25741868, with internal and published modifications).

Labcorp Genetics (formerly Invitae), Labcorp
Classification: Likely benign. Last evaluated: 2026-01-05. Review status: criteria provided, single submitter. Criteria: Invitae Variant Classification Sherloc (09022015). Collection method: clinical testing. Allele origin: germline.

Blueprint Genetics
Classification: Likely benign. Last evaluated: 2024-11-08. Review status: criteria provided, single submitter. Criteria: ACMG Guidelines, 2015. Collection method: clinical testing. Allele origin: germline.

CeGaT Center for Human Genetics Tuebingen
Classification: Likely benign. Last evaluated: 2024-10-01. Review status: criteria provided, single submitter. Criteria: CeGaT Center For Human Genetics Tuebingen Variant Classification Criteria Version 2. Collection method: clinical testing. Allele origin: germline. Affected: yes. Observed: 1 variant allele.
Comment: ADAMTS17: BP4, BP7